The following is an entry in ClinVar:

ClinVar aggregate classification (germline): Uncertain significance (1 of 4 stars; one submission).

Submission:

GeneDx
Classification: Uncertain significance. Last evaluated: 2024-05-09. Review status: criteria provided, single submitter. Criteria: GeneDx Variant Classification Process June 2021. Collection method: clinical testing. Allele origin: germline. Affected: yes.
Comment: Not observed at significant frequency in large population cohorts (gnomAD); In silico analysis indicates that this missense variant does not alter protein structure/function; Has not been previously published as pathogenic or benign to our knowledge

NM_006593.4(TBR1):c.1504A>C (p.Thr502Pro)

Gene: TBR1 (T-box brain transcription factor 1; plus strand). Cytogenetic location: 2q24.2.
Variant type: single nucleotide variant.
Coding change: c.1504A>C on transcript NM_006593.4 (MANE Select); coding-DNA position 1504, A replaced by C.
Protein change: p.Thr502Pro; replaces threonine 502 with proline.
Molecular consequence: missense variant.
Genome position (GRCh38, 1-based): chr2:161,423,682, A>C. VCF-style: chr2-161423682-A-C. GRCh37 (hg19) VCF-style: chr2-162280193-A-C.
Other names: short protein forms T502P.
Identifiers: ClinVar variation 3378213 (VCV003378213.1).